The following is an entry in ClinVar:

ClinVar aggregate classification (germline): Uncertain significance. Review status: criteria provided, multiple submitters, no conflicts (2 of 4 stars). 2 submissions from 2 submitters: Uncertain significance (2). Last evaluated 2024-07-02.

Conditions:
Tuberous sclerosis 1 (TSC1). Identifiers: Orphanet 805, MedGen C1854465, MONDO:0008612, OMIM 191100.
Isolated focal cortical dysplasia type II (FCORD2). Also called: CORTICAL DYSPLASIA OF TAYLOR; Focal cortical dysplasia type II. Identifiers: Orphanet 268994, MedGen C1846385, MONDO:0011818, OMIM 607341, HP:0032051.
Lymphangiomyomatosis (LAM). Also called: Lymphangioleiomyomatosis, somatic; Lymphangioleiomyomatosis. Identifiers: Orphanet 538, MedGen C0751674, MONDO:0011705, OMIM 606690.

Allele frequency attached by ClinVar (database versions not stated): gnomAD exomes below 0.00001.
gnomAD v4.1: 2 of 1,613,956 alleles (0.00012%); highest among the groups gnomAD compares: Non-Finnish European, 0.00017%; no homozygotes.

Submissions (2):

Labcorp Genetics (formerly Invitae), Labcorp
Classification: Uncertain significance for Tuberous sclerosis 1. Last evaluated: 2024-07-02. Review status: criteria provided, single submitter. Criteria: Invitae Variant Classification Sherloc (09022015). Collection method: clinical testing. Allele origin: germline.
Comment: This sequence change replaces serine, which is neutral and polar, with cysteine, which is neutral and slightly polar, at codon 1029 of the TSC1 protein (p.Ser1029Cys). This variant is not present in population databases (gnomAD no frequency). This variant has not been reported in the literature in individuals affected with TSC1-related conditions. ClinVar contains an entry for this variant (Variation ID: 1051299). Advanced modeling of protein sequence and biophysical properties (such as structural, functional, and spatial information, amino acid conservation, physicochemical variation, residue mobility, and thermodynamic stability) performed at Invitae indicates that this missense variant is not expected to disrupt TSC1 protein function with a negative predictive value of 95%. In summary, the available evidence is currently insufficient to determine the role of this variant in disease. Therefore, it has been classified as a Variant of Uncertain Significance.

Fulgent Genetics
Classification: Uncertain significance for Tuberous sclerosis 1; Lymphangiomyomatosis; Isolated focal cortical dysplasia type II. Last evaluated: 2021-10-09. Review status: criteria provided, single submitter. Criteria: ACMG Guidelines, 2015. Collection method: clinical testing. Allele origin: unknown.

NM_000368.5(TSC1):c.3085A>T (p.Ser1029Cys)

Gene: TSC1 (TSC complex subunit 1; minus strand). Cytogenetic location: 9q34.13.
Variant type: single nucleotide variant.
Coding change: c.3085A>T on transcript NM_000368.5 (MANE Select); coding-DNA position 3085, A replaced by T.
Protein change: p.Ser1029Cys; replaces serine 1029 with cysteine.
Molecular consequence: missense variant.
Genome position (GRCh38, 1-based): chr9:132,896,645, T>A on the plus strand (A>T on the coding strand, the complement: TSC1 is on the minus strand). VCF-style: chr9-132896645-T-A. GRCh37 (hg19) VCF-style: chr9-135772032-T-A.
Other names: c.2722A>T, p.Ser908Cys (NM_001362177.2); c.3082A>T, p.Ser1028Cys (NM_001162426.2); c.2932A>T, p.Ser978Cys (NM_001162427.2); short protein forms S1028C, S1029C, S908C, S978C.
Identifiers: ClinVar variation 1051299 (VCV001051299.10), dbSNP rs2131610745, ClinGen allele CA375367528.